The following is an entry in ClinVar:

NM_019892.6(INPP5E):c.1034+8G>A

Gene: INPP5E (inositol polyphosphate-5-phosphatase E; minus strand). Cytogenetic location: 9q34.3.
Variant type: single nucleotide variant.
Coding change: c.1034+8G>A on transcript NM_019892.6 (MANE Select); 8 bases into the intron after coding-DNA position 1034, G replaced by A.
Molecular consequence: intron variant.
Genome position (GRCh38, 1-based): chr9:136,434,029, C>T on the plus strand (G>A on the coding strand, the complement: INPP5E is on the minus strand). VCF-style: chr9-136434029-C-T. GRCh37 (hg19) VCF-style: chr9-139328481-C-T.
Other names: c.1034+8G>A (NM_001318502.2, NM_019892.5).
Identifiers: ClinVar variation 912999 (VCV000912999.16), dbSNP rs201272028, ClinGen allele CA5336990.
Genomic context (GRCh38, chr9:136,434,029, plus strand): 5'-CTCAGCACCCAGCTGCTTCAGAGACGGCAGCCCCTGGGCAGGCACTGCAGGGCCTGCAGC[C>T]GCCCTACCTGTCAGAACAGCCCTCCTGGACCCCGATGACATACAGGTCCTGGGCATAGTC-3'

ClinVar aggregate classification (germline): Conflicting classifications of pathogenicity. Review status: criteria provided, conflicting classifications (1 of 4 stars). 4 submissions from 4 submitters: Uncertain significance (1); Benign (1); Likely benign (1). 1 of the submissions does not count toward it. Last evaluated 2026-01-28.

Conditions:
Joubert syndrome 1 (JBTS1). Also called: CEREBELLOPARENCHYMAL DISORDER IV; Cerebellooculorenal syndrome 1. Identifiers: MedGen C4551568, MONDO:0008944, OMIM 213300.
Joubert syndrome. Also called: Familial aplasia of the vermis; JOUBERT-BOLTSHAUSER SYNDROME. Identifiers: Orphanet 475, MedGen C5979921, MONDO:0018772.
INPP5E-related disorder. Also called: INPP5E-related condition.

Allele frequency attached by ClinVar (database versions not stated): TOPMed 0.00010; ExAC 0.00092; 1000 Genomes Project 0.00100; 1000 Genomes Project 30x 0.00156.

Submissions (4):

Labcorp Genetics (formerly Invitae), Labcorp
Classification: Benign for Joubert syndrome. Last evaluated: 2026-01-28. Review status: criteria provided, single submitter. Criteria: Invitae Variant Classification Sherloc (09022015). Collection method: clinical testing. Allele origin: germline.

Blueprint Genetics
Classification: Likely benign. Last evaluated: 2024-09-19. Review status: criteria provided, single submitter. Criteria: ACMG Guidelines, 2015. Collection method: clinical testing. Allele origin: germline.

Illumina Laboratory Services, Illumina
Classification: Uncertain significance for Joubert syndrome 1. Last evaluated: 2018-01-12. Review status: criteria provided, single submitter. Criteria: ICSL Variant Classification Criteria 13 December 2019. Collection method: clinical testing. Allele origin: germline.

PreventionGenetics, part of Exact Sciences
Classification: Likely benign for INPP5E-related condition. Last evaluated: 2021-07-01. Review status: no assertion criteria provided. Collection method: clinical testing. Allele origin: germline. Not counted in ClinVar's aggregate classification.
Comment: This variant is classified as likely benign based on ACMG/AMP sequence variant interpretation guidelines (Richards et al. 2015 PMID: 25741868, with internal and published modifications).